The following is an entry in ClinVar:

NM_012200.4(B3GAT3):c.838C>T (p.Leu280=)

Gene: B3GAT3 (beta-1,3-glucuronyltransferase 3; minus strand). Cytogenetic location: 11q12.3.
Variant type: single nucleotide variant.
Coding change: c.838C>T on transcript NM_012200.4 (MANE Select); coding-DNA position 838, C replaced by T.
Protein change: p.Leu280=; no amino-acid change (leucine 280 retained).
Molecular consequence: synonymous variant. On other transcripts: non-coding transcript variant (1).
Genome position (GRCh38, 1-based): chr11:62,616,577, G>A on the plus strand (C>T on the coding strand, the complement: B3GAT3 is on the minus strand). VCF-style: chr11-62616577-G-A. GRCh37 (hg19) VCF-style: chr11-62384049-G-A.
Other names: c.817C>T, p.Leu273= (NM_001288721.2); c.838C>T, p.Leu280= (NM_001288722.2, NM_001288723.2).
Identifiers: ClinVar variation 1329707 (VCV001329707.2), dbSNP rs966491942, ClinGen allele CA223038334.

ClinVar aggregate classification (germline): Uncertain significance (1 of 4 stars; one submission).

Allele frequency attached by ClinVar (database versions not stated): gnomAD exomes below 0.00001; TOPMed 0.00003; gnomAD 0.00005 and 0.00006.

Submission:

GeneDx
Classification: Uncertain significance. Last evaluated: 2021-06-22. Review status: criteria provided, single submitter. Criteria: GeneDx Variant Classification Process June 2021. Collection method: clinical testing. Allele origin: germline. Affected: yes.
Comment: This variant is associated with the following publications: (PMID: 27535533)